The following is an entry in ClinVar:

NM_001013703.4(EIF2AK4):c.457_458del (p.Arg153fs)

Gene: EIF2AK4 (eukaryotic translation initiation factor 2 alpha kinase 4; plus strand). Cytogenetic location: 15q15.1.
Variant type: Deletion.
Coding change: c.457_458del on transcript NM_001013703.4 (MANE Select); coding-DNA positions 457 to 458, 2 bases deleted (CG; older notation c.457_458delCG).
Protein change: p.Arg153fs; shifts the reading frame from arginine 153.
Molecular consequence: frameshift variant.
Genome position (GRCh38, 1-based): chr15:39,949,212-39,949,213, CG deleted; deleting any 2 consecutive bases within chr15:39,949,211-39,949,213 gives the same sequence; the c. name uses the placement nearest the transcript's 3' end. VCF-style (leftmost placement, unchanged base first): chr15-39949210-GGC-G. GRCh37 (hg19) VCF-style: chr15-40241411-GGC-G.
Other names: short protein forms R153fs.
Identifiers: ClinVar variation 1923326 (VCV001923326.5), dbSNP rs1165646203, ClinGen allele CA712723680.

ClinVar aggregate classification (germline): Pathogenic (1 of 4 stars; one submission).

Submission:

Labcorp Genetics (formerly Invitae), Labcorp
Classification: Pathogenic. Last evaluated: 2022-04-28. Review status: criteria provided, single submitter. Criteria: Invitae Variant Classification Sherloc (09022015). Collection method: clinical testing. Allele origin: germline.
Comment: For these reasons, this variant has been classified as Pathogenic. This variant has not been reported in the literature in individuals affected with EIF2AK4-related conditions. This variant is not present in population databases (gnomAD no frequency). This sequence change creates a premature translational stop signal (p.Arg153Glyfs*21) in the EIF2AK4 gene. It is expected to result in an absent or disrupted protein product. Loss-of-function variants in EIF2AK4 are known to be pathogenic (PMID: 12215525, 24135949, 24292273, 24310610, 28972005, 29743074).

Literature cited by the submitters: PubMed 12215525; PubMed 24135949; PubMed 24292273; PubMed 24310610; PubMed 28972005; PubMed 29743074.